The following is an entry in ClinVar:

NM_000214.3(JAG1):c.1564T>C (p.Cys522Arg)

Gene: JAG1 (jagged canonical Notch ligand 1; minus strand). Cytogenetic location: 20p12.2.
Variant type: single nucleotide variant.
Coding change: c.1564T>C on transcript NM_000214.3 (MANE Select); coding-DNA position 1564, T replaced by C.
Protein change: p.Cys522Arg; replaces cysteine 522 with arginine.
Molecular consequence: missense variant.
Genome position (GRCh38, 1-based): chr20:10,648,554, A>G on the plus strand (T>C on the coding strand, the complement: JAG1 is on the minus strand). VCF-style: chr20-10648554-A-G. GRCh37 (hg19) VCF-style: chr20-10629202-A-G.
Other names: short protein forms C522R.
Identifiers: ClinVar variation 2811872 (VCV002811872.3), dbSNP rs2514517124, ClinGen allele CA408237267.

ClinVar aggregate classification (germline): Uncertain significance (1 of 4 stars; one submission).

Conditions:
Alagille syndrome due to a JAG1 point mutation. Also called: Alagille Syndrome 1; JAG1-Related Alagille Syndrome; HEPATIC DUCTULAR HYPOPLASIA, SYNDROMATIC. Identifiers: Orphanet 261619, Orphanet 52, MedGen C1956125, MONDO:0016862, OMIM 118450.

Submission:

Labcorp Genetics (formerly Invitae), Labcorp
Classification: Uncertain significance for Alagille syndrome due to a JAG1 point mutation. Last evaluated: 2024-11-05. Review status: criteria provided, single submitter. Criteria: Invitae Variant Classification Sherloc (09022015). Collection method: clinical testing. Allele origin: germline.
Comment: This sequence change replaces cysteine, which is neutral and slightly polar, with arginine, which is basic and polar, at codon 522 of the JAG1 protein (p.Cys522Arg). This variant is not present in population databases (gnomAD no frequency). This variant has not been reported in the literature in individuals affected with JAG1-related conditions. ClinVar contains an entry for this variant (Variation ID: 2811872). Invitae Evidence Modeling of protein sequence and biophysical properties (such as structural, functional, and spatial information, amino acid conservation, physicochemical variation, residue mobility, and thermodynamic stability) indicates that this missense variant is expected to disrupt JAG1 protein function with a positive predictive value of 95%. In summary, the available evidence is currently insufficient to determine the role of this variant in disease. Therefore, it has been classified as a Variant of Uncertain Significance.